The following is an entry in ClinVar:

ClinVar aggregate classification (germline): Pathogenic/Likely pathogenic. Review status: criteria provided, multiple submitters, no conflicts (2 of 4 stars). 3 submissions from 3 submitters: Pathogenic (2); Likely pathogenic (1). Last evaluated 2026-01-13.

Conditions:
ANKRD11-related disorder. Also called: ANKRD11-related condition.
KBG syndrome (KBGS). Also called: ANKRD11-Related KBG Syndrome. Identifiers: Orphanet 2332, MedGen C0220687, MONDO:0007846, OMIM 148050.

Submissions (3):

GeneDx
Classification: Pathogenic. Last evaluated: 2026-01-13. Review status: criteria provided, single submitter. Criteria: GeneDx Variant Classification Process June 2021. Collection method: clinical testing. Allele origin: germline. Affected: yes.
Comment: Nonsense variant predicted to result in protein truncation or nonsense mediated decay in a gene for which loss of function is a known mechanism of disease; Not observed at significant frequency in large population cohorts (gnomAD); Has not been previously published as pathogenic or benign to our knowledge

Revvity Omics, Revvity
Classification: Likely pathogenic for KBG syndrome. Last evaluated: 2022-05-05. Review status: criteria provided, single submitter. Criteria: ACMG Guidelines, 2015. Collection method: clinical testing. Allele origin: germline.

Blueprint Genetics
Classification: Pathogenic for ANKRD11-related disorders. Last evaluated: 2019-04-11. Review status: criteria provided, single submitter. Criteria: ACMG Guidelines, 2015. Collection method: clinical testing. Allele origin: de novo. Affected: yes. Observed: 2 variant alleles.

NM_013275.6(ANKRD11):c.7234C>T (p.Gln2412Ter)

Gene: ANKRD11 (ankyrin repeat domain 11; minus strand). Cytogenetic location: 16q24.3.
Variant type: single nucleotide variant.
Coding change: c.7234C>T on transcript NM_013275.6 (MANE Select); coding-DNA position 7234, C replaced by T.
Protein change: p.Gln2412Ter; replaces glutamine 2412 with a stop codon.
Molecular consequence: nonsense.
Genome position (GRCh38, 1-based): chr16:89,279,308, G>A on the plus strand (C>T on the coding strand, the complement: ANKRD11 is on the minus strand). VCF-style: chr16-89279308-G-A. GRCh37 (hg19) VCF-style: chr16-89345716-G-A.
Other names: c.7234C>T, p.Gln2412Ter (NM_001256182.2, NM_001256183.2); short protein forms Q2412*.
Identifiers: ClinVar variation 280900 (VCV000280900.7), dbSNP rs886042019, ClinGen allele CA10603561.